The following is an entry in ClinVar:

ClinVar aggregate classification (germline): Conflicting classifications of pathogenicity. Review status: criteria provided, conflicting classifications (1 of 4 stars). 8 submissions from 8 submitters: Uncertain significance (6); Likely benign (1). 1 of the submissions does not count toward it. Last evaluated 2026-02-02.

Conditions:
Inborn genetic diseases. Identifiers: MedGen C0950123, MeSH D030342.
Neuromuscular disease caused by qualitative or quantitative defects of dysferlin. Also called: Dysferlinopathy; Qualitative or quantitative defects of dysferlin. Identifiers: Orphanet 207073, MedGen C2931687, MONDO:0016145.
Autosomal recessive limb-girdle muscular dystrophy type 2B (LGMDR2). Also called: MUSCULAR DYSTROPHY, LIMB-GIRDLE, AUTOSOMAL RECESSIVE 2; Limb-girdle muscular dystrophy, type 2B; Limb-Girdle Muscular Dystrophy Type 2B (LGMD2B); MUSCULAR DYSTROPHY, LIMB-GIRDLE, TYPE 3. Identifiers: Orphanet 268, MedGen C1850889, MONDO:0009676, OMIM 253601.

Allele frequency attached by ClinVar (database versions not stated): gnomAD exomes 0.00003 and 0.00006; ExAC 0.00007; ESP Exome Variant Server 0.00015; gnomAD 0.00021 and 0.00024; TOPMed 0.00025; 1000 Genomes Project 0.00040; 1000 Genomes Project 30x 0.00047.
gnomAD v4.1: 76 of 1,614,152 alleles (0.0047%); highest among the groups gnomAD compares: African/African-American, 0.092%; 1 homozygote.

Submissions (8):

Labcorp Genetics (formerly Invitae), Labcorp
Classification: Likely benign for Neuromuscular disease caused by qualitative or quantitative defects of dysferlin. Last evaluated: 2026-02-02. Review status: criteria provided, single submitter. Criteria: Invitae Variant Classification Sherloc (09022015). Collection method: clinical testing. Allele origin: germline.

GeneDx
Classification: Uncertain significance. Last evaluated: 2025-03-12. Review status: criteria provided, single submitter. Criteria: GeneDx Variant Classification Process June 2021. Collection method: clinical testing. Allele origin: germline. Affected: yes.
Comment: In silico analysis supports that this missense variant has a deleterious effect on protein structure/function; Has not been previously published as pathogenic or benign to our knowledge; This variant is associated with the following publications: (PMID: 27535533)

Revvity Omics, Revvity
Classification: Uncertain significance. Last evaluated: 2024-01-23. Review status: criteria provided, single submitter. Criteria: ACMG Guidelines, 2015. Collection method: clinical testing. Allele origin: germline.

Blueprint Genetics
Classification: Uncertain significance. Last evaluated: 2023-10-04. Review status: criteria provided, single submitter. Criteria: ACMG Guidelines, 2015. Collection method: clinical testing. Allele origin: germline.

Ambry Genetics
Classification: Uncertain significance for Inborn genetic diseases. Last evaluated: 2021-08-12. Review status: criteria provided, single submitter. Criteria: Ambry Variant Classification Scheme 2023. Collection method: clinical testing. Allele origin: germline.

Illumina Laboratory Services, Illumina
Classification: Uncertain significance for Qualitative or quantitative defects of dysferlin. Last evaluated: 2018-01-13. Review status: criteria provided, single submitter. Criteria: ICSL Variant Classification Criteria 13 December 2019. Collection method: clinical testing. Allele origin: germline.

Eurofins Ntd Llc (ga)
Classification: Uncertain significance. Last evaluated: 2016-01-22. Review status: criteria provided, single submitter. Criteria: EGL Classification Definitions 2015. Collection method: clinical testing. Allele origin: germline. Observed: 1 variant allele, 1 heterozygote.

Natera, Inc.
Classification: Uncertain significance for Limb-girdle muscular dystrophy type 2B. Last evaluated: 2019-11-11. Review status: no assertion criteria provided. Collection method: clinical testing. Allele origin: germline. Not counted in ClinVar's aggregate classification.

NM_001130987.2(DYSF):c.4780C>T (p.Pro1594Ser)

Gene: DYSF (dysferlin; plus strand). Cytogenetic location: 2p13.2.
Variant type: single nucleotide variant.
Coding change: c.4780C>T on transcript NM_001130987.2 (MANE Select); coding-DNA position 4780, C replaced by T.
Protein change: p.Pro1594Ser; replaces proline 1594 with serine.
Molecular consequence: missense variant.
Genome position (GRCh38, 1-based): chr2:71,658,902, C>T. VCF-style: chr2-71658902-C-T. GRCh37 (hg19) VCF-style: chr2-71886032-C-T.
Other names: c.4666C>T, p.Pro1556Ser (NM_001130455.2); c.4621C>T, p.Pro1541Ser (NM_001130976.2); c.4684C>T, p.Pro1562Ser (NM_001130977.2); c.4726C>T, p.Pro1576Ser (NM_001130978.2); c.4714C>T, p.Pro1572Ser (NM_001130980.2); c.4777C>T, p.Pro1593Ser (NM_001130981.2); c.4759C>T, p.Pro1587Ser (NM_001130982.2); c.4729C>T, p.Pro1577Ser (NM_001130983.2); and 5 more; short protein forms P1555S, P1594S, P1556S, P1576S, P1587S, P1573S, P1593S, P1541S.
Identifiers: ClinVar variation 285741 (VCV000285741.26), dbSNP rs149768871, ClinGen allele CA1707143.
Genomic context (GRCh38, chr2:71,658,902, plus strand): 5'-TGATAAAAATGAAAATTAACCCTTCCTTCTTTTCAGGGCCTCTTCAAAATTTATCCCCTC[C>T]CAGAAGACCCAGCCATCCCCATGCCCCCAAGACAGTTCCACCAGCTGGCCGCCCAGGGAC-3'
Protein context (NP_001124459.1, residues 1584-1604): FKGLFKIYPL[Pro1594Ser]EDPAIPMPPR